The following is an entry in ClinVar:

NM_000138.5(FBN1):c.3475T>C (p.Cys1159Arg)

Gene: FBN1 (fibrillin 1; minus strand). Cytogenetic location: 15q21.1.
Variant type: single nucleotide variant.
Coding change: c.3475T>C on transcript NM_000138.5 (MANE Select); coding-DNA position 3475, T replaced by C.
Protein change: p.Cys1159Arg; replaces cysteine 1159 with arginine.
Molecular consequence: missense variant.
Genome position (GRCh38, 1-based): chr15:48,487,189, A>G on the plus strand (T>C on the coding strand, the complement: FBN1 is on the minus strand). VCF-style: chr15-48487189-A-G. GRCh37 (hg19) VCF-style: chr15-48779386-A-G.
Other names: short protein forms C1159R.
Identifiers: ClinVar variation 549168 (VCV000549168.10), dbSNP rs794728205, ClinGen allele CA392325985.

ClinVar aggregate classification (germline): Pathogenic/Likely pathogenic. Review status: criteria provided, multiple submitters, no conflicts (2 of 4 stars). 3 submissions from 3 submitters: Pathogenic (1); Likely pathogenic (1). 1 of the submissions does not count toward it. Last evaluated 2021-08-27.

Conditions:
Isolated thoracic aortic aneurysm.
Familial thoracic aortic aneurysm and aortic dissection (TAAD). Also called: Thoracic aortic aneurysms and dissections. Identifiers: Orphanet 91387, MedGen C4707243, MONDO:0019625.
Marfan syndrome (MFS). Also called: Marfan syndrome type 1; Marfan syndrome, classic; Marfan's syndrome; FBN1-Related Marfan Syndrome; MARFAN SYNDROME, TYPE I. Identifiers: Orphanet 284963, Orphanet 558, MedGen C0024796, MONDO:0007947, OMIM 154700.

Submissions (3):

Labcorp Genetics (formerly Invitae), Labcorp
Classification: Pathogenic for Marfan syndrome; Familial thoracic aortic aneurysm and aortic dissection. Last evaluated: 2021-08-27. Review status: criteria provided, single submitter. Criteria: Invitae Variant Classification Sherloc (09022015). Collection method: clinical testing. Allele origin: germline.
Comment: This sequence change replaces cysteine with arginine at codon 1159 of the FBN1 protein (p.Cys1159Arg). The cysteine residue is highly conserved and there is a large physicochemical difference between cysteine and arginine. This variant is not present in population databases (ExAC no frequency). This variant has not been reported in the literature in individuals affected with FBN1-related conditions. ClinVar contains an entry for this variant (Variation ID: 549168). Advanced modeling of protein sequence and biophysical properties (such as structural, functional, and spatial information, amino acid conservation, physicochemical variation, residue mobility, and thermodynamic stability) performed at Invitae indicates that this missense variant is expected to disrupt FBN1 protein function. This variant affects a cysteine residue in the EGF-like, TGFBP or hybrid motif domains of FBN1. Cysteine residues are believed to be involved in intramolecular disulfide bridges and have been shown to be important for FBN1 protein structure (PMID: 16905551, 19349279). In addition, missense substitutions affecting cysteine residues within these domains are significantly overrepresented among patients with Marfan syndrome (PMID: 16571647, 17701892). This variant disrupts the p.Cys1159 amino acid residue in FBN1. Other variant(s) that disrupt this residue have been observed in individuals with FBN1-related conditions (PMID: 25652356), which suggests that this may be a clinically significant amino acid residue. For these reasons, this variant has been classified as Pathogenic.

Department of Vascular Biology, Beijing Anzhen Hospital
Classification: Likely pathogenic for Isolated thoracic aortic aneurysm. Last evaluated: 2018-09-01. Review status: criteria provided, single submitter. Criteria: ACMG Guidelines, 2015. Collection method: research. Allele origin: germline. Affected: yes.

Center for Medical Genetics Ghent, University of Ghent
Classification: Likely pathogenic for Marfan syndrome. Last evaluated: 2017-11-07. Review status: no assertion criteria provided. Collection method: clinical testing. Allele origin: de novo. Affected: yes. Not counted in ClinVar's aggregate classification.

Literature cited by the submitters: PubMed 16905551 (cited by Labcorp Genetics (formerly Invitae), Labcorp); PubMed 19349279 (cited by Labcorp Genetics (formerly Invitae), Labcorp); PubMed 16571647 (cited by Labcorp Genetics (formerly Invitae), Labcorp); PubMed 17701892 (cited by Labcorp Genetics (formerly Invitae), Labcorp); PubMed 25652356 (cited by Labcorp Genetics (formerly Invitae), Labcorp).